The following is an entry in ClinVar:

ClinVar aggregate classification (germline): Likely benign. Review status: criteria provided, multiple submitters, no conflicts (2 of 4 stars). 3 submissions from 3 submitters: Likely benign (3). Last evaluated 2026-09-01.

Conditions:
TTN-related disorder. Also called: TTN-related disorders; TTN-related condition; TTN-related disease.
Dilated cardiomyopathy 1G (CMD1G). Identifiers: Orphanet 154, MedGen C1858763, MONDO:0011400, OMIM 604145.
Autosomal recessive limb-girdle muscular dystrophy type 2J (LGMDR10). Also called: Limb-girdle muscular dystrophy, type 2J; MUSCULAR DYSTROPHY, LIMB-GIRDLE, AUTOSOMAL RECESSIVE 10. Identifiers: Orphanet 140922, MedGen C1837342, MONDO:0012127, OMIM 608807.

Allele frequency attached by ClinVar (database versions not stated): gnomAD 0.00005; ExAC 0.00006; TOPMed 0.00006; ESP Exome Variant Server 0.00008; gnomAD exomes 0.00009 and 0.00016.
gnomAD v4.1: 227 of 1,608,132 alleles (0.014%); highest among the groups gnomAD compares: Non-Finnish European, 0.018%; no homozygotes.

Submissions (3):

CeGaT Center for Human Genetics Tuebingen
Classification: Likely benign. Last evaluated: 2026-09-01. Review status: criteria provided, single submitter. Criteria: CeGaT Center For Human Genetics Tuebingen Variant Classification Criteria Version 2. Collection method: clinical testing. Allele origin: germline. Affected: yes. Observed: 1 variant allele.
Comment: TTN: BP4, BP7

Labcorp Genetics (formerly Invitae), Labcorp
Classification: Likely benign for Dilated cardiomyopathy 1G; Autosomal recessive limb-girdle muscular dystrophy type 2J. Last evaluated: 2026-01-12. Review status: criteria provided, single submitter. Criteria: Invitae Variant Classification Sherloc (09022015). Collection method: clinical testing. Allele origin: germline.

PreventionGenetics, part of Exact Sciences
Classification: Likely benign for TTN-related condition. Last evaluated: 2025-07-03. Review status: criteria provided, single submitter. Criteria: ACMG Guidelines, 2015. Collection method: clinical testing. Allele origin: germline.
Comment: This variant is classified as likely benign based on ACMG/AMP sequence variant interpretation guidelines (Richards et al. 2015 PMID: 25741868, with internal and published modifications).

NM_001267550.2(TTN):c.20601C>T (p.Ala6867=)

Gene: TTN (titin; minus strand). Cytogenetic location: 2q31.2.
Variant type: single nucleotide variant.
Coding change: c.20601C>T on transcript NM_001267550.2 (MANE Select); coding-DNA position 20601, C replaced by T.
Protein change: p.Ala6867=; no amino-acid change (alanine 6867 retained).
Molecular consequence: synonymous variant. On other transcripts: intron variant (3).
Genome position (GRCh38, 1-based): chr2:178,725,603, G>A on the plus strand (C>T on the coding strand, the complement: TTN is on the minus strand). VCF-style: chr2-178725603-G-A. GRCh37 (hg19) VCF-style: chr2-179590330-G-A.
Other names: c.19650C>T, p.Ala6550= (NM_001256850.1); c.16869C>T, p.Ala5623= (NM_133378.4); c.13282+12479C>T (NM_003319.4); c.13858+12479C>T (NM_133437.4); c.13657+12479C>T (NM_133432.3).
Identifiers: ClinVar variation 701039 (VCV000701039.13), dbSNP rs374731328, ClinGen allele CA2001189.